The following is an entry in ClinVar:

NM_138713.4(NFAT5):c.3460C>G (p.Gln1154Glu)

Gene: NFAT5 (nuclear factor of activated T cells 5; plus strand). Cytogenetic location: 16q22.1.
Variant type: single nucleotide variant.
Coding change: c.3460C>G on transcript NM_138713.4 (MANE Select); coding-DNA position 3460, C replaced by G.
Protein change: p.Gln1154Glu; replaces glutamine 1154 with glutamic acid.
Molecular consequence: missense variant.
Genome position (GRCh38, 1-based): chr16:69,693,285, C>G. VCF-style: chr16-69693285-C-G. GRCh37 (hg19) VCF-style: chr16-69727188-C-G.
Other names: c.3457C>G, p.Gln1153Glu (NM_001113178.3); c.2785C>G, p.Gln929Glu (NM_001367709.1); c.3406C>G, p.Gln1136Glu (NM_006599.4); c.3178C>G, p.Gln1060Glu (NM_138714.4, NM_173214.3, NM_173215.3); short protein forms Q1136E, Q1153E, Q929E, Q1060E, Q1154E.
Identifiers: ClinVar variation 2102072 (VCV002102072.4), dbSNP rs2544245962, ClinGen allele CA396513057.

ClinVar aggregate classification (germline): Uncertain significance (1 of 4 stars; one submission).

Conditions:
Immunodeficiency. Identifiers: MedGen C0021051, MONDO:0021094, HP:0002721.

Submission:

Labcorp Genetics (formerly Invitae), Labcorp
Classification: Uncertain significance for Immunodeficiency. Last evaluated: 2022-02-22. Review status: criteria provided, single submitter. Criteria: Invitae Variant Classification Sherloc (09022015). Collection method: clinical testing. Allele origin: germline.
Comment: This sequence change replaces glutamine, which is neutral and polar, with glutamic acid, which is acidic and polar, at codon 1060 of the NFAT5 protein (p.Gln1060Glu). This variant is not present in population databases (gnomAD no frequency). This variant has not been reported in the literature in individuals affected with NFAT5-related conditions. Algorithms developed to predict the effect of missense changes on protein structure and function (SIFT, PolyPhen-2, Align-GVGD) all suggest that this variant is likely to be tolerated. In summary, the available evidence is currently insufficient to determine the role of this variant in disease. Therefore, it has been classified as a Variant of Uncertain Significance.